The following is an entry in ClinVar:

NM_006612.6(KIF1C):c.2109G>A (p.Thr703=)

Gene: KIF1C (kinesin family member 1C; plus strand). Cytogenetic location: 17p13.2.
Variant type: single nucleotide variant.
Coding change: c.2109G>A on transcript NM_006612.6 (MANE Select); coding-DNA position 2109, G replaced by A.
Protein change: p.Thr703=; no amino-acid change (threonine 703 retained).
Molecular consequence: synonymous variant.
Genome position (GRCh38, 1-based): chr17:5,022,190, G>A. VCF-style: chr17-5022190-G-A. GRCh37 (hg19) VCF-style: chr17-4925485-G-A.
Identifiers: ClinVar variation 508474 (VCV000508474.6), dbSNP rs372267137, ClinGen allele CA8319220.

ClinVar aggregate classification (germline): Likely benign. Review status: criteria provided, multiple submitters, no conflicts (2 of 4 stars). 2 submissions from 2 submitters: Likely benign (2). Last evaluated 2024-04-16.

Conditions:
Spastic ataxia 2. Also called: Ataxia, spastic, 2, autosomal recessive. Identifiers: Orphanet 397946, MedGen C1969796, MONDO:0012651, OMIM 611302.

Allele frequency attached by ClinVar (database versions not stated): gnomAD exomes 0.00002 and 0.00003; ExAC 0.00003; gnomAD 0.00004; TOPMed 0.00004; ESP Exome Variant Server 0.00008.

Submissions (2):

Labcorp Genetics (formerly Invitae), Labcorp
Classification: Likely benign for Spastic ataxia 2. Last evaluated: 2024-04-16. Review status: criteria provided, single submitter. Criteria: Invitae Variant Classification Sherloc (09022015). Collection method: clinical testing. Allele origin: germline.

GeneDx
Classification: Likely benign. Last evaluated: 2017-03-30. Review status: criteria provided, single submitter. Criteria: GeneDx Variant Classification (06012015). Collection method: clinical testing. Allele origin: germline. Affected: yes.
Comment: This variant is considered likely benign or benign based on one or more of the following criteria: it is a conservative change, it occurs at a poorly conserved position in the protein, it is predicted to be benign by multiple in silico algorithms, and/or has population frequency not consistent with disease.